The following is an entry in ClinVar:

ClinVar aggregate classification (germline): Pathogenic/Likely pathogenic. Review status: criteria provided, multiple submitters, no conflicts (2 of 4 stars). 2 submissions from 2 submitters: Pathogenic (1); Likely pathogenic (1). Last evaluated 2024-07-31.

Conditions:
Hereditary nonpolyposis colorectal neoplasms. Identifiers: MedGen C0009405, MeSH D003123.

Submissions (2):

Quest Diagnostics Nichols Institute San Juan Capistrano
Classification: Likely pathogenic. Last evaluated: 2024-07-31. Review status: criteria provided, single submitter. Criteria: Quest Diagnostics criteria. Collection method: clinical testing. Allele origin: unknown.
Comment: The MSH6 c.3367del (p.Glu1123Lysfs*22) variant alters the translational reading frame of the MSH6 mRNA and is predicted to cause the premature termination of MSH6 protein synthesis. This variant has not been reported in individuals with MSH6-related conditions in the published literature. This variant has not been reported in large, multi-ethnic general populations (Genome Aggregation Database). Based on the available information, this variant is classified as likely pathogenic.

Labcorp Genetics (formerly Invitae), Labcorp
Classification: Pathogenic for Hereditary nonpolyposis colorectal neoplasms. Last evaluated: 2024-03-30. Review status: criteria provided, single submitter. Criteria: Invitae Variant Classification Sherloc (09022015). Collection method: clinical testing. Allele origin: germline.
Comment: This sequence change creates a premature translational stop signal (p.Glu1123Lysfs*22) in the MSH6 gene. It is expected to result in an absent or disrupted protein product. Loss-of-function variants in MSH6 are known to be pathogenic (PMID: 18269114, 24362816). This variant is not present in population databases (gnomAD no frequency). This variant has not been reported in the literature in individuals affected with MSH6-related conditions. ClinVar contains an entry for this variant (Variation ID: 1456457). For these reasons, this variant has been classified as Pathogenic.

Literature cited by the submitters: PubMed 18269114 (cited by Labcorp Genetics (formerly Invitae), Labcorp); PubMed 24362816 (cited by Labcorp Genetics (formerly Invitae), Labcorp).

NM_000179.3(MSH6):c.3367del (p.Glu1123fs)

Gene: MSH6 (mutS homolog 6; plus strand). Cytogenetic location: 2p16.3.
Variant type: Deletion.
Coding change: c.3367del on transcript NM_000179.3 (MANE Select); coding-DNA position 3367, one base deleted (G; older notation c.3367delG).
Protein change: p.Glu1123fs; shifts the reading frame from glutamic acid 1123.
Molecular consequence: frameshift variant.
Genome position (GRCh38, 1-based): chr2:47,803,614, G deleted; the last of 2 consecutive G bases (chr2:47,803,613-47,803,614); deleting either gives the same sequence. VCF-style (leftmost placement, unchanged base first): chr2-47803612-AG-A. GRCh37 (hg19) VCF-style: chr2-48030751-AG-A.
Other names: c.2977del, p.Glu993fs (NM_001281492.2); c.2461del, p.Glu821fs (NM_001281493.2, NM_001281494.2); c.3367del (NM_000179.2); short protein forms E993fs, E1123fs, E821fs.
Identifiers: ClinVar variation 1456457 (VCV001456457.7), dbSNP rs2104482609, ClinGen allele CA2573134726.